The following is an entry in ClinVar:

ClinVar aggregate classification (germline): Uncertain significance (1 of 4 stars; one submission).

Conditions:
Joubert syndrome. Also called: JOUBERT-BOLTSHAUSER SYNDROME; Familial aplasia of the vermis. Identifiers: Orphanet 475, MedGen C5979921, MONDO:0018772.
Meckel-Gruber syndrome. Also called: DYSENCEPHALIA SPLANCHNOCYSTICA; GRUBER SYNDROME; Dysencephalia splachnocystica. Identifiers: Orphanet 564, MedGen C0265215, MONDO:0018921.

Submission:

Labcorp Genetics (formerly Invitae), Labcorp
Classification: Uncertain significance for Joubert syndrome; Meckel-Gruber syndrome. Last evaluated: 2022-03-14. Review status: criteria provided, single submitter. Criteria: Invitae Variant Classification Sherloc (09022015). Collection method: clinical testing. Allele origin: germline.
Comment: This sequence change replaces serine, which is neutral and polar, with asparagine, which is neutral and polar, at codon 804 of the CC2D2A protein (p.Ser804Asn). This variant is not present in population databases (gnomAD no frequency). This variant has not been reported in the literature in individuals affected with CC2D2A-related conditions. Advanced modeling of protein sequence and biophysical properties (such as structural, functional, and spatial information, amino acid conservation, physicochemical variation, residue mobility, and thermodynamic stability) performed at Invitae indicates that this missense variant is not expected to disrupt CC2D2A protein function. In summary, the available evidence is currently insufficient to determine the role of this variant in disease. Therefore, it has been classified as a Variant of Uncertain Significance.

NM_001378615.1(CC2D2A):c.2411G>A (p.Ser804Asn)

Genes: CC2D2A (coiled-coil and C2 domain containing 2A; plus strand), FBXL5 (F-box and leucine rich repeat protein 5; minus strand). Cytogenetic location: 4p15.32.
Variant type: single nucleotide variant.
Coding change: c.2411G>A on transcript NM_001378615.1 (MANE Select); coding-DNA position 2411, G replaced by A.
Protein change: p.Ser804Asn; replaces serine 804 with asparagine.
Molecular consequence: missense variant.
Genome position (GRCh38, 1-based): chr4:15,553,230, G>A. VCF-style: chr4-15553230-G-A. GRCh37 (hg19) VCF-style: chr4-15554853-G-A.
Other names: c.2411G>A, p.Ser804Asn (NM_001080522.2); c.2264G>A, p.Ser755Asn (NM_001378617.1); short protein forms S804N, S755N.
Identifiers: ClinVar variation 2112213 (VCV002112213.4), dbSNP rs2475026219, ClinGen allele CA356419145.
Genomic context (GRCh38, chr4:15,553,230, plus strand): 5'-CATTTGAAGCTGATGGCAGTAACCAGCTGACTCTGATGACCTCAGGGAAAGTGTCTCATA[G>A]TGTGGCATGGGCCATTGGAGAAAACGGGATACCTTTAATTCCTCCATTGTCACAGCAGAA-3'
Protein context (NP_001365544.1, residues 794-814): TLMTSGKVSH[Ser804Asn]VAWAIGENGI